The following is an entry in ClinVar:

NM_002299.4(LCT):c.2761G>A (p.Ala921Thr)

Gene: LCT (lactase; minus strand). Cytogenetic location: 2q21.3.
Variant type: single nucleotide variant.
Coding change: c.2761G>A on transcript NM_002299.4 (MANE Select); coding-DNA position 2761, G replaced by A.
Protein change: p.Ala921Thr; replaces alanine 921 with threonine.
Molecular consequence: missense variant.
Genome position (GRCh38, 1-based): chr2:135,809,586, C>T on the plus strand (G>A on the coding strand, the complement: LCT is on the minus strand). VCF-style: chr2-135809586-C-T. GRCh37 (hg19) VCF-style: chr2-136567156-C-T.
Other names: short protein forms A921T.
Identifiers: ClinVar variation 1961316 (VCV001961316.4), dbSNP rs149891578, ClinGen allele CA1888167.

ClinVar aggregate classification (germline): Uncertain significance (1 of 4 stars; one submission).

gnomAD v4.1: 6 of 1,614,094 alleles (0.00037%); highest among the groups gnomAD compares: East Asian, 0.0045%; no homozygotes.

Submission:

Labcorp Genetics (formerly Invitae), Labcorp
Classification: Uncertain significance. Last evaluated: 2024-03-11. Review status: criteria provided, single submitter. Criteria: Invitae Variant Classification Sherloc (09022015). Collection method: clinical testing. Allele origin: germline.
Comment: This sequence change replaces alanine, which is neutral and non-polar, with threonine, which is neutral and polar, at codon 921 of the LCT protein (p.Ala921Thr). This variant is present in population databases (rs149891578, gnomAD 0.002%). This variant has not been reported in the literature in individuals affected with LCT-related conditions. ClinVar contains an entry for this variant (Variation ID: 1961316). Advanced modeling of protein sequence and biophysical properties (such as structural, functional, and spatial information, amino acid conservation, physicochemical variation, residue mobility, and thermodynamic stability) performed at Invitae indicates that this missense variant is not expected to disrupt LCT protein function with a negative predictive value of 80%. In summary, the available evidence is currently insufficient to determine the role of this variant in disease. Therefore, it has been classified as a Variant of Uncertain Significance.